The following is an entry in ClinVar:

NM_021083.4(XK):c.521C>T (p.Thr174Ile)

Gene: XK (X-linked Kx blood group antigen, Kell and VPS13A binding protein; plus strand). Cytogenetic location: Xp21.1.
Variant type: single nucleotide variant.
Coding change: c.521C>T on transcript NM_021083.4 (MANE Select); coding-DNA position 521, C replaced by T.
Protein change: p.Thr174Ile; replaces threonine 174 with isoleucine.
Molecular consequence: missense variant.
Genome position (GRCh38, 1-based): chrX:37,727,648, C>T. VCF-style: chrX-37727648-C-T. GRCh37 (hg19) VCF-style: chrX-37586901-C-T.
Other names: short protein forms T174I.
Identifiers: ClinVar variation 3691568 (VCV003691568.2).

ClinVar aggregate classification (germline): Uncertain significance (1 of 4 stars; one submission).

gnomAD v4.1: 1 of 1,209,317 alleles (0.000083%); no homozygotes.

Submission:

Labcorp Genetics (formerly Invitae), Labcorp
Classification: Uncertain significance. Last evaluated: 2024-09-16. Review status: criteria provided, single submitter. Criteria: Invitae Variant Classification Sherloc (09022015). Collection method: clinical testing. Allele origin: germline.
Comment: This sequence change replaces threonine, which is neutral and polar, with isoleucine, which is neutral and non-polar, at codon 174 of the XK protein (p.Thr174Ile). This variant is not present in population databases (gnomAD no frequency). This variant has not been reported in the literature in individuals affected with XK-related conditions. Invitae Evidence Modeling of protein sequence and biophysical properties (such as structural, functional, and spatial information, amino acid conservation, physicochemical variation, residue mobility, and thermodynamic stability) indicates that this missense variant is not expected to disrupt XK protein function with a negative predictive value of 80%. In summary, the available evidence is currently insufficient to determine the role of this variant in disease. Therefore, it has been classified as a Variant of Uncertain Significance.